The following is an entry in ClinVar:

NM_182914.3(SYNE2):c.19753G>A (p.Ala6585Thr)

Gene: SYNE2 (spectrin repeat containing nuclear envelope protein 2; plus strand). Cytogenetic location: 14q23.2.
Variant type: single nucleotide variant.
Coding change: c.19753G>A on transcript NM_182914.3 (MANE Select); coding-DNA position 19753, G replaced by A.
Protein change: p.Ala6585Thr; replaces alanine 6585 with threonine.
Molecular consequence: missense variant.
Genome position (GRCh38, 1-based): chr14:64,219,303, G>A. VCF-style: chr14-64219303-G-A. GRCh37 (hg19) VCF-style: chr14-64686021-G-A.
Other names: c.19684G>A, p.Ala6562Thr (NM_015180.6); c.277G>A, p.Ala93Thr (NM_182910.2); c.655G>A, p.Ala219Thr (NM_182913.4); short protein forms A6562T, A93T, A219T, A6585T.
Identifiers: ClinVar variation 2051456 (VCV002051456.3), dbSNP rs148199074, ClinGen allele CA7224574.

ClinVar aggregate classification (germline): Conflicting classifications of pathogenicity. Review status: criteria provided, conflicting classifications (1 of 4 stars). 2 submissions from 2 submitters: Uncertain significance (1); Likely benign (1). Last evaluated 2025-02-16.

Conditions:
Emery-Dreifuss muscular dystrophy 5, autosomal dominant (EDMD5). Also called: EMERY-DREIFUSS MUSCULAR DYSTROPHY 5. Identifiers: Orphanet 261, MedGen C2751805, MONDO:0013072, OMIM 612999.

Allele frequency attached by ClinVar (database versions not stated): gnomAD 0.00002; ExAC 0.00003; 1000 Genomes Project 30x 0.00016; 1000 Genomes Project 0.00020.
gnomAD v4.1: 20 of 1,613,890 alleles (0.0012%); highest among the groups gnomAD compares: Admixed American, 0.017%; no homozygotes.

Submissions (2):

Laboratory of Genetics, Children's Clinical University Hospital Latvia
Classification: Likely benign. Last evaluated: 2025-02-16. Review status: criteria provided, single submitter. Criteria: ACMG Guidelines, 2015. Collection method: clinical testing. Allele origin: germline. Affected: yes.

Labcorp Genetics (formerly Invitae), Labcorp
Classification: Uncertain significance for Emery-Dreifuss muscular dystrophy 5, autosomal dominant. Last evaluated: 2023-07-12. Review status: criteria provided, single submitter. Criteria: Invitae Variant Classification Sherloc (09022015). Collection method: clinical testing. Allele origin: germline.
Comment: This sequence change replaces alanine, which is neutral and non-polar, with threonine, which is neutral and polar, at codon 6585 of the SYNE2 protein (p.Ala6585Thr). This variant is present in population databases (rs148199074, gnomAD 0.02%). This variant has not been reported in the literature in individuals affected with SYNE2-related conditions. ClinVar contains an entry for this variant (Variation ID: 2051456). Algorithms developed to predict the effect of missense changes on protein structure and function output the following: SIFT: "Not Available"; PolyPhen-2: "Benign"; Align-GVGD: "Not Available". The threonine amino acid residue is found in multiple mammalian species, which suggests that this missense change does not adversely affect protein function. In summary, the available evidence is currently insufficient to determine the role of this variant in disease. Therefore, it has been classified as a Variant of Uncertain Significance.